The following is an entry in ClinVar:

NM_000388.4(CASR):c.868G>T (p.Gly290Cys)

Gene: CASR (calcium sensing receptor; plus strand). Cytogenetic location: 3q21.1.
Variant type: single nucleotide variant.
Coding change: c.868G>T on transcript NM_000388.4 (MANE Select); coding-DNA position 868, G replaced by T.
Protein change: p.Gly290Cys; replaces glycine 290 with cysteine.
Molecular consequence: missense variant.
Genome position (GRCh38, 1-based): chr3:122,261,903, G>T. VCF-style: chr3-122261903-G-T. GRCh37 (hg19) VCF-style: chr3-121980750-G-T.
Other names: c.868G>T, p.Gly290Cys (NM_001178065.2); short protein forms G290C.
Identifiers: ClinVar variation 4539428 (VCV004539428.1).
Genomic context (GRCh38, chr3:122,261,903, plus strand): 5'-TTCTCCAGTGGCCCAGATCTTGAGCCCCTCATCAAGGAGATTGTCCGGCGCAATATCACG[G>T]GCAAGATCTGGCTGGCCAGCGAGGCCTGGGCCAGCTCCTCCCTGATCGCCATGCCTCAGT-3'
Protein context (NP_000379.3, residues 280-300): IKEIVRRNIT[Gly290Cys]KIWLASEAWA

ClinVar aggregate classification (germline): Uncertain significance (1 of 4 stars; one submission).

Submission:

Center for Genomic Medicine, Rigshospitalet, Copenhagen University Hospital
Classification: Uncertain significance. Last evaluated: 2025-12-29. Review status: criteria provided, single submitter. Criteria: ACMG Guidelines, 2015. Collection method: clinical testing. Allele origin: germline.
Comment: Classification criteria: PM2_supporting